The following is an entry in ClinVar:

ClinVar aggregate classification (germline): Likely benign. Review status: criteria provided, multiple submitters, no conflicts (2 of 4 stars). 4 submissions from 4 submitters: Likely benign (4). Last evaluated 2026-02-17.

Conditions:
Inborn genetic diseases. Identifiers: MedGen C0950123, MeSH D030342.
VRK1-related disorder. Also called: VRK1-related condition.
Pontocerebellar hypoplasia type 1A (PCH1A). Also called: PONTOCEREBELLAR HYPOPLASIA WITH ANTERIOR HORN CELL DISEASE; PONTOCEREBELLAR HYPOPLASIA WITH INFANTILE SPINAL MUSCULAR ATROPHY. Identifiers: Orphanet 2254, Orphanet 88616, MedGen C1843504, MONDO:0011866, OMIM 607596.

Allele frequency attached by ClinVar (database versions not stated): gnomAD exomes 0.00002 and 0.00010; ExAC 0.00011; gnomAD 0.00028 and 0.00029; ESP Exome Variant Server 0.00031; TOPMed 0.00037; 1000 Genomes Project 0.00040; 1000 Genomes Project 30x 0.00047.
gnomAD v4.1: 77 of 1,567,692 alleles (0.0049%); highest among the groups gnomAD compares: African/African-American, 0.092%; no homozygotes.

Submissions (4):

PreventionGenetics, part of Exact Sciences
Classification: Likely benign for VRK1-related condition. Last evaluated: 2026-02-17. Review status: criteria provided, single submitter. Criteria: ACMG Guidelines, 2015. Collection method: clinical testing. Allele origin: germline.
Comment: This variant is classified as likely benign based on ACMG/AMP sequence variant interpretation guidelines (Richards et al. 2015 PMID: 25741868, with internal and published modifications).

Labcorp Genetics (formerly Invitae), Labcorp
Classification: Likely benign for Pontocerebellar hypoplasia type 1A. Last evaluated: 2026-01-20. Review status: criteria provided, single submitter. Criteria: Invitae Variant Classification Sherloc (09022015). Collection method: clinical testing. Allele origin: germline.

Ambry Genetics
Classification: Likely benign for Inborn genetic diseases. Last evaluated: 2019-07-11. Review status: criteria provided, single submitter. Criteria: Ambry Variant Classification Scheme 2023. Collection method: clinical testing. Allele origin: germline.

GeneDx
Classification: Likely benign. Last evaluated: 2017-02-28. Review status: criteria provided, single submitter. Criteria: GeneDx Variant Classification (06012015). Collection method: clinical testing. Allele origin: germline. Affected: yes.
Comment: This variant is considered likely benign or benign based on one or more of the following criteria: it is a conservative change, it occurs at a poorly conserved position in the protein, it is predicted to be benign by multiple in silico algorithms, and/or has population frequency not consistent with disease.

NM_003384.3(VRK1):c.183A>C (p.Ser61=)

Gene: VRK1 (VRK serine/threonine kinase 1; plus strand). Cytogenetic location: 14q32.2.
Variant type: single nucleotide variant.
Coding change: c.183A>C on transcript NM_003384.3 (MANE Select); coding-DNA position 183, A replaced by C.
Protein change: p.Ser61=; no amino-acid change (serine 61 retained).
Molecular consequence: synonymous variant.
Genome position (GRCh38, 1-based): chr14:96,837,784, A>C. VCF-style: chr14-96837784-A-C. GRCh37 (hg19) VCF-style: chr14-97304121-A-C.
Identifiers: ClinVar variation 507516 (VCV000507516.14), dbSNP rs150196318, ClinGen allele CA7338880.